The following is an entry in ClinVar:

NM_198253.3(TERT):c.2471C>G (p.Ser824Cys)

Gene: TERT (telomerase reverse transcriptase; minus strand). Cytogenetic location: 5p15.33.
Variant type: single nucleotide variant.
Coding change: c.2471C>G on transcript NM_198253.3 (MANE Select); coding-DNA position 2471, C replaced by G.
Protein change: p.Ser824Cys; replaces serine 824 with cysteine.
Molecular consequence: missense variant. On other transcripts: non-coding transcript variant (2).
Genome position (GRCh38, 1-based): chr5:1,268,631, G>C on the plus strand (C>G on the coding strand, the complement: TERT is on the minus strand). VCF-style: chr5-1268631-G-C. GRCh37 (hg19) VCF-style: chr5-1268746-G-C.
Other names: c.2471C>G, p.Ser824Cys (NM_001193376.3, NM_003219.1); short protein forms S824C.
Identifiers: ClinVar variation 2950431 (VCV002950431.3), dbSNP rs2478181615, ClinGen allele CA359075151.

ClinVar aggregate classification (germline): Uncertain significance (1 of 4 stars; one submission).

Conditions:
Dyskeratosis congenita, autosomal dominant 2. Identifiers: MedGen C3151443, MONDO:0013521, OMIM 613989.
Idiopathic Pulmonary Fibrosis. Also called: Idiopathic fibrosing alveolitis, chronic form; idiopathic fibrosing alveolitis. Identifiers: Orphanet 2032, MedGen C1800706, MeSH D054990, MONDO:0800504.

Submission:

Labcorp Genetics (formerly Invitae), Labcorp
Classification: Uncertain significance for Dyskeratosis congenita, autosomal dominant 2; Idiopathic Pulmonary Fibrosis. Last evaluated: 2023-07-29. Review status: criteria provided, single submitter. Criteria: Invitae Variant Classification Sherloc (09022015). Collection method: clinical testing. Allele origin: germline.
Comment: In summary, the available evidence is currently insufficient to determine the role of this variant in disease. Therefore, it has been classified as a Variant of Uncertain Significance. Algorithms developed to predict the effect of missense changes on protein structure and function output the following: SIFT: "Not Available"; PolyPhen-2: "Benign"; Align-GVGD: "Not Available". The cysteine amino acid residue is found in multiple mammalian species, which suggests that this missense change does not adversely affect protein function. This variant has not been reported in the literature in individuals affected with TERT-related conditions. This variant is not present in population databases (gnomAD no frequency). This sequence change replaces serine, which is neutral and polar, with cysteine, which is neutral and slightly polar, at codon 824 of the TERT protein (p.Ser824Cys).